The following is an entry in ClinVar:

NM_000843.4(GRM6):c.51G>T (p.Pro17=)

Gene: GRM6 (glutamate metabotropic receptor 6; minus strand). Cytogenetic location: 5q35.3.
Variant type: single nucleotide variant.
Coding change: c.51G>T on transcript NM_000843.4 (MANE Select); coding-DNA position 51, G replaced by T.
Protein change: p.Pro17=; no amino-acid change (proline 17 retained).
Molecular consequence: synonymous variant.
Genome position (GRCh38, 1-based): chr5:178,994,894, C>A on the plus strand (G>T on the coding strand, the complement: GRM6 is on the minus strand). VCF-style: chr5-178994894-C-A. GRCh37 (hg19) VCF-style: chr5-178421895-C-A.
Identifiers: ClinVar variation 1544766 (VCV001544766.26), dbSNP rs763973168, ClinGen allele CA3594597.

ClinVar aggregate classification (germline): Likely benign. Review status: criteria provided, multiple submitters, no conflicts (2 of 4 stars). 2 submissions from 2 submitters: Likely benign (2). Last evaluated 2025-03-04.

Allele frequency attached by ClinVar (database versions not stated): gnomAD 0.00001; TOPMed 0.00001; ExAC 0.00345.
gnomAD v4.1: 10 of 1,207,402 alleles (0.00083%); highest among the groups gnomAD compares: South Asian, 0.025%; 1 homozygote.

Submissions (2):

Labcorp Genetics (formerly Invitae), Labcorp
Classification: Likely benign. Last evaluated: 2025-03-04. Review status: criteria provided, single submitter. Criteria: Invitae Variant Classification Sherloc (09022015). Collection method: clinical testing. Allele origin: germline.

CeGaT Center for Human Genetics Tuebingen
Classification: Likely benign. Last evaluated: 2024-06-01. Review status: criteria provided, single submitter. Criteria: CeGaT Center For Human Genetics Tuebingen Variant Classification Criteria Version 2. Collection method: clinical testing. Allele origin: germline. Affected: yes. Observed: 1 variant allele.
Comment: GRM6: BP4, BP7